The following is an entry in ClinVar:

NM_006648.4(WNK2):c.1679G>A (p.Ser560Asn)

Gene: WNK2 (WNK lysine deficient protein kinase 2; plus strand). Cytogenetic location: 9q22.31.
Variant type: single nucleotide variant.
Coding change: c.1679G>A on transcript NM_006648.4 (MANE Select); coding-DNA position 1679, G replaced by A.
Protein change: p.Ser560Asn; replaces serine 560 with asparagine.
Molecular consequence: missense variant.
Genome position (GRCh38, 1-based): chr9:93,247,679, G>A. VCF-style: chr9-93247679-G-A. GRCh37 (hg19) VCF-style: chr9-96009961-G-A.
Other names: c.1679G>A, p.Ser560Asn (NM_001282394.3); short protein forms S560N.
Identifiers: ClinVar variation 3817211 (VCV003817211.1).

ClinVar aggregate classification (germline): Uncertain significance (1 of 4 stars; one submission).

Submission:

Ambry Genetics
Classification: Uncertain significance. Last evaluated: 2025-03-04. Review status: criteria provided, single submitter. Criteria: Ambry Variant Classification Scheme 2023. Collection method: clinical testing. Allele origin: germline.
Comment: The p.S560N variant (also known as c.1679G>A), located in coding exon 7 of the WNK2 gene, results from a G to A substitution at nucleotide position 1679. The serine at codon 560 is replaced by asparagine, an amino acid with highly similar properties. This amino acid position is conserved. In addition, this alteration is predicted to be tolerated by in silico analysis. Based on the available evidence, the clinical significance of this variant remains unclear.